The following is an entry in ClinVar:

GRCh38/hg38 16q24.3(chr16:89395175-89454555)x1

Genes: ANKRD11 (ankyrin repeat domain containing 11; minus strand), LOC101927817 (uncharacterized LOC101927817; plus strand), LOC128462377 (uncharacterized LOC128462377; minus strand), LOC130059807 (ATAC-STARR-seq lymphoblastoid active region 11409; plus strand), LOC130059808 (ATAC-STARR-seq lymphoblastoid active region 11410; plus strand) and 2 more. Cytogenetic location: 16q24.3.
Variant type: copy number loss.
Change: copy number 1 (one copy instead of two) of chr16:89,395,175-89,454,555 (59.4 kb, GRCh38 coordinates, 1-based), cytogenetic band 16q24.3.
Identifiers: ClinVar variation 148541 (VCV000148541.3).

ClinVar aggregate classification (germline): Likely benign (0 of 4 stars; one submission).

Submission:

ISCA site 1
Classification: Likely benign. Last evaluated: 2018-02-16. Review status: no assertion criteria provided. Collection method: clinical testing. Allele origin: maternal. Affected: yes. Observed: 1 variant allele.
Comment: Only includes noncoding exons.

Copy number variation identified through the course of routine clinical cytogenomic testing in postnatal populations, with clinical assertions as classified by the original submitter. For data from the original published study, Kaminsky, et al. 2011 (PubMed 21844811), please see nstd101.